The following is an entry in ClinVar:

ClinVar aggregate classification (germline): Uncertain significance (1 of 4 stars; one submission).

Allele frequency attached by ClinVar (database versions not stated): TOPMed below 0.00001.

Submission:

Greenwood Genetic Center Diagnostic Laboratories, Greenwood Genetic Center
Classification: Uncertain significance. Last evaluated: 2022-08-12. Review status: criteria provided, single submitter. Criteria: ACMG Guidelines, 2015. Collection method: clinical testing. Allele origin: germline. Affected: yes.
Comment: PM2 PP3

NM_020458.4(TTC7A):c.1318T>C (p.Cys440Arg)

Gene: TTC7A (tetratricopeptide repeat domain 7A; plus strand). Cytogenetic location: 2p21.
Variant type: single nucleotide variant.
Coding change: c.1318T>C on transcript NM_020458.4 (MANE Select); coding-DNA position 1318, T replaced by C.
Protein change: p.Cys440Arg; replaces cysteine 440 with arginine.
Molecular consequence: missense variant.
Genome position (GRCh38, 1-based): chr2:47,011,361, T>C. VCF-style: chr2-47011361-T-C. GRCh37 (hg19) VCF-style: chr2-47238500-T-C.
Other names: c.1318T>C, p.Cys440Arg (NM_001288951.2); c.1216T>C, p.Cys406Arg (NM_001288953.2); c.256T>C, p.Cys86Arg (NM_001288955.2); short protein forms C406R, C440R, C86R.
Identifiers: ClinVar variation 1710485 (VCV001710485.3), dbSNP rs1326323845, ClinGen allele CA346715301.